The following is an entry in ClinVar:

NM_001267550.2(TTN):c.79539T>A (p.Tyr26513Ter)

Genes: TTN-AS1 (TTN antisense RNA 1; plus strand), TTN (titin; minus strand). Cytogenetic location: 2q31.2.
Variant type: single nucleotide variant.
Coding change: c.79539T>A on transcript NM_001267550.2 (MANE Select); coding-DNA position 79539, T replaced by A.
Protein change: p.Tyr26513Ter; replaces tyrosine 26513 with a stop codon.
Molecular consequence: nonsense.
Genome position (GRCh38, 1-based): chr2:178,566,593, A>T on the plus strand (T>A on the coding strand, the complement: TTN is on the minus strand). VCF-style: chr2-178566593-A-T. GRCh37 (hg19) VCF-style: chr2-179431320-A-T.
Other names: c.74616T>A, p.Tyr24872Ter (NM_001256850.1); c.52344T>A, p.Tyr17448Ter (NM_003319.4); c.71835T>A, p.Tyr23945Ter (NM_133378.4); c.52719T>A, p.Tyr17573Ter (NM_133432.3); c.52920T>A, p.Tyr17640Ter (NM_133437.4); short protein forms Y17573*, Y24872*, Y26513*, Y23945*, Y17448*, Y17640*.
Identifiers: ClinVar variation 659362 (VCV000659362.9), dbSNP rs1575685597, ClinGen allele CA349596257.
Genomic context (GRCh38, chr2:178,566,593, plus strand): 5'-TTCTTCTTCATCTGCTTTACAGATTTCTACTACATATCCCAAGATCTCACTGCCGCCATC[A>T]TAGATGGGTTTACCCCAGGCAAGTGTGATTGAATTTTTAGTGGTGTCTACAATGTGTGCA-3'

ClinVar aggregate classification (germline): Likely pathogenic (1 of 4 stars; one submission).

Conditions:
Dilated cardiomyopathy 1G (CMD1G). Identifiers: Orphanet 154, MedGen C1858763, MONDO:0011400, OMIM 604145.
Autosomal recessive limb-girdle muscular dystrophy type 2J (LGMDR10). Also called: Limb-girdle muscular dystrophy, type 2J; MUSCULAR DYSTROPHY, LIMB-GIRDLE, AUTOSOMAL RECESSIVE 10. Identifiers: Orphanet 140922, MedGen C1837342, MONDO:0012127, OMIM 608807.

Submission:

Labcorp Genetics (formerly Invitae), Labcorp
Classification: Likely pathogenic for Dilated cardiomyopathy 1G; Autosomal recessive limb-girdle muscular dystrophy type 2J. Last evaluated: 2023-12-30. Review status: criteria provided, single submitter. Criteria: Invitae Variant Classification Sherloc (09022015). Collection method: clinical testing. Allele origin: germline.
Comment: This sequence change creates a premature translational stop signal (p.Tyr26513*) in the TTN gene. While this is not anticipated to result in nonsense mediated decay, it is expected to create a truncated TTN protein. This variant is not present in population databases (gnomAD no frequency). This premature translational stop signal has been observed in individual(s) with cardiomyopathy (PMID: 31983221). ClinVar contains an entry for this variant (Variation ID: 659362). This variant is located in the A band of TTN (PMID: 25589632). Truncating variants in this region are significantly overrepresented in patients affected with dilated cardiomyopathy (PMID: 25589632). Truncating variants in this region have also been reported in individuals affected with autosomal recessive centronuclear myopathy (PMID: 23975875). In summary, the currently available evidence indicates that the variant is pathogenic, but additional data are needed to prove that conclusively. Therefore, this variant has been classified as Likely Pathogenic.

Literature cited by the submitters: PubMed 31983221; PubMed 25589632; PubMed 23975875.